The following is an entry in ClinVar:

NM_000138.5(FBN1):c.7421del (p.Tyr2474fs)

Gene: FBN1 (fibrillin 1; minus strand). Cytogenetic location: 15q21.1.
Variant type: Deletion.
Coding change: c.7421del on transcript NM_000138.5 (MANE Select); coding-DNA position 7421, one base deleted (A; older notation c.7421delA).
Protein change: p.Tyr2474fs; shifts the reading frame from tyrosine 2474.
Molecular consequence: frameshift variant.
Genome position (GRCh38, 1-based): chr15:48,425,401, T deleted on the plus strand (A on the coding strand, the reverse complement: FBN1 is on the minus strand). VCF-style (leftmost placement, unchanged base first): chr15-48425400-GT-G. GRCh37 (hg19) VCF-style: chr15-48717597-GT-G.
Other names: c.7421delA (NM_000138.4); short protein forms Y2474fs.
Identifiers: ClinVar variation 406324 (VCV000406324.7), dbSNP rs1060501060, ClinGen allele CA16614790.

ClinVar aggregate classification (germline): Pathogenic (1 of 4 stars; one submission).

Conditions:
Marfan syndrome (MFS). Also called: Marfan syndrome, classic; Marfan syndrome type 1; Marfan's syndrome; MARFAN SYNDROME, TYPE I; FBN1-Related Marfan Syndrome. Identifiers: Orphanet 284963, Orphanet 558, MedGen C0024796, MONDO:0007947, OMIM 154700.
Familial thoracic aortic aneurysm and aortic dissection (TAAD). Also called: Thoracic aortic aneurysms and dissections. Identifiers: Orphanet 91387, MedGen C4707243, MONDO:0019625.

Submission:

Labcorp Genetics (formerly Invitae), Labcorp
Classification: Pathogenic for Marfan syndrome; Familial thoracic aortic aneurysm and aortic dissection. Last evaluated: 2018-11-07. Review status: criteria provided, single submitter. Criteria: Invitae Variant Classification Sherloc (09022015). Collection method: clinical testing. Allele origin: germline.
Comment: This sequence change deletes 1 nucleotide from exon 60 of the FBN1 mRNA (c.7421delA), causing a frameshift at codon 2474. This creates a premature translational stop signal (p.Tyr2474Serfs*208) and is expected to result in an absent or disrupted protein product. While this particular variant has not been reported in the literature, truncating variants in FBN1 are known to be pathogenic (PMID: 17657824, 19293843). For these reasons, this variant has been classified as Pathogenic.

Literature cited by the submitters: PubMed 17657824; PubMed 19293843.